The following is an entry in ClinVar:

ClinVar aggregate classification (germline): Uncertain significance (1 of 4 stars; one submission).

gnomAD v4.1: 8 of 1,612,770 alleles (0.0005%); highest among the groups gnomAD compares: Admixed American, 0.0033%; no homozygotes.

Submission:

Labcorp Genetics (formerly Invitae), Labcorp
Classification: Uncertain significance. Last evaluated: 2022-08-22. Review status: criteria provided, single submitter. Criteria: Invitae Variant Classification Sherloc (09022015). Collection method: clinical testing. Allele origin: germline.
Comment: This sequence change replaces proline, which is neutral and non-polar, with arginine, which is basic and polar, at codon 373 of the SLC12A6 protein (p.Pro373Arg). This variant is present in population databases (no rsID available, gnomAD 0.006%). This variant has not been reported in the literature in individuals affected with SLC12A6-related conditions. Algorithms developed to predict the effect of missense changes on protein structure and function are either unavailable or do not agree on the potential impact of this missense change (SIFT: "Tolerated"; PolyPhen-2: "Possibly Damaging"; Align-GVGD: "Class C0"). Algorithms developed to predict the effect of sequence changes on RNA splicing suggest that this variant may disrupt the consensus splice site. In summary, the available evidence is currently insufficient to determine the role of this variant in disease. Therefore, it has been classified as a Variant of Uncertain Significance.

NM_001365088.1(SLC12A6):c.1118C>G (p.Pro373Arg)

Gene: SLC12A6 (solute carrier family 12 member 6; minus strand). Cytogenetic location: 15q14.
Variant type: single nucleotide variant.
Coding change: c.1118C>G on transcript NM_001365088.1 (MANE Select); coding-DNA position 1118, C replaced by G.
Protein change: p.Pro373Arg; replaces proline 373 with arginine.
Molecular consequence: missense variant.
Genome position (GRCh38, 1-based): chr15:34,254,348, G>C on the plus strand (C>G on the coding strand, the complement: SLC12A6 is on the minus strand). VCF-style: chr15-34254348-G-C. GRCh37 (hg19) VCF-style: chr15-34546549-G-C.
Other names: c.941C>G, p.Pro314Arg (NM_001042494.2, NM_001042495.2); c.1091C>G, p.Pro364Arg (NM_001042496.2); c.1073C>G, p.Pro358Arg (NM_001042497.2); c.965C>G, p.Pro322Arg (NM_005135.2); c.1118C>G, p.Pro373Arg (NM_133647.2); short protein forms P322R, P314R, P358R, P364R, P373R.
Identifiers: ClinVar variation 2166033 (VCV002166033.1), dbSNP rs368994065, ClinGen allele CA268639300.